The following is an entry in ClinVar:

NM_000179.3(MSH6):c.4070_*16del (p.Ile1357_Ter1361delinsXaa)

Gene: MSH6 (mutS homolog 6; plus strand). Cytogenetic location: 2p16.3.
Variant type: Deletion.
Coding change: c.4070_*16del on transcript NM_000179.3 (MANE Select); coding-DNA position 4070 through 16 bases downstream of the stop codon, 30 bases deleted (TTAAGGAATTATAGACTGACTACATTGGAA).
Protein change: p.Ile1357_Ter1361delinsXaa.
Molecular consequence: stop lost.
Genome position (GRCh38, 1-based): chr2:47,806,847-47,806,876, TTAAGGAATTATAGACTGACTACATTGGAA deleted; deleting any 30 consecutive bases within chr2:47,806,846-47,806,876 gives the same sequence; the c. name uses the placement nearest the transcript's 3' end. VCF-style (leftmost placement, unchanged base first): chr2-47806845-GATTAAGGAATTATAGACTGACTACATTGGA-G. GRCh37 (hg19) VCF-style: chr2-48033984-GATTAAGGAATTATAGACTGACTACATTGGA-G.
Other names: c.3680_*16del, p.Ile1227_Ter1231delinsXaa (NM_001281492.2); c.3164_*16del, p.Ile1055_Ter1059delinsXaa (NM_001281493.2, NM_001281494.2).
Identifiers: ClinVar variation 1007184 (VCV001007184.8), dbSNP rs1670225485, ClinGen allele CA2496054598.
Genomic context (GRCh38, chr2:47,806,845, plus strand): 5'-TTGCCTGGCTAGTGAAAGGTCAACTGTAGATGCTGAAGCTGTCCATAAATTGCTGACTTT[GATTAAGGAATTATAGACTGACTACATTGGA>G]AGCTTTGAGTTGACTTCTGACAAAGGTGGTAAATTCAGACAACATTATGATCTAATAAAC-3'

ClinVar aggregate classification (germline): Uncertain significance (1 of 4 stars; one submission).

Conditions:
Hereditary nonpolyposis colorectal neoplasms. Identifiers: MedGen C0009405, MeSH D003123.

Submission:

Labcorp Genetics (formerly Invitae), Labcorp
Classification: Uncertain significance for Hereditary nonpolyposis colorectal neoplasms. Last evaluated: 2020-01-19. Review status: criteria provided, single submitter. Criteria: Invitae Variant Classification Sherloc (09022015). Collection method: clinical testing. Allele origin: germline.
Comment: This sequence change results in a frameshift in the MSH6 gene (p.Ile1357_Leu1360delinsSerPheGluLeuext*19). While this is not anticipated to result in nonsense mediated decay, it is expected to disrupt the last four amino acids of the MSH6 protein and extend the protein by an additional 19 amino acids. This variant is not present in population databases (ExAC no frequency). This variant has not been reported in the literature in individuals with MSH6-related conditions. Experimental studies and prediction algorithms are not available or were not evaluated, and the functional significance of this variant is currently unknown. In summary, the available evidence is currently insufficient to determine the role of this variant in disease. Therefore, it has been classified as a Variant of Uncertain Significance.